The following is an entry in ClinVar:

ClinVar aggregate classification (germline): Uncertain significance. Review status: criteria provided, multiple submitters, no conflicts (2 of 4 stars). 2 submissions from 2 submitters: Uncertain significance (2). Last evaluated 2025-12-14.

Conditions:
Hereditary cancer-predisposing syndrome. Also called: Neoplastic Syndromes, Hereditary; Tumor predisposition; Hereditary neoplastic syndrome; Hereditary Cancer Syndrome. Identifiers: Orphanet 140162, MedGen C0027672, MeSH D009386, MONDO:0015356.
Mitochondrial complex II deficiency, nuclear type 1. Also called: SUCCINATE CoQ REDUCTASE DEFICIENCY. Identifiers: Orphanet 3208, MedGen C5700310, MONDO:0100294, OMIM 252011.
Pheochromocytoma/paraganglioma syndrome 5. Also called: Paragangliomas 5; SDHA-Related Hereditary Paraganglioma-Pheochromocytoma Syndrome. Identifiers: Orphanet 29072, MedGen C3279992, MONDO:0013602, OMIM 614165.

Allele frequency attached by ClinVar (database versions not stated): gnomAD exomes below 0.00001; TOPMed below 0.00001; ExAC 0.00001; gnomAD 0.00002.
gnomAD v4.1: 3 of 1,608,702 alleles (0.00019%); highest among the groups gnomAD compares: African/African-American, 0.004%; no homozygotes.

Submissions (2):

Labcorp Genetics (formerly Invitae), Labcorp
Classification: Uncertain significance for Pheochromocytoma/paraganglioma syndrome 5; Mitochondrial complex II deficiency, nuclear type 1. Last evaluated: 2025-12-14. Review status: criteria provided, single submitter. Criteria: Invitae Variant Classification Sherloc (09022015). Collection method: clinical testing. Allele origin: germline.
Comment: This sequence change falls in intron 2 of the SDHA gene. It does not directly change the encoded amino acid sequence of the SDHA protein. RNA analysis indicates that this variant induces altered splicing and likely results in a shortened protein product. This variant is present in population databases (rs770610694, gnomAD 0.008%). This variant has not been reported in the literature in individuals affected with SDHA-related conditions. ClinVar contains an entry for this variant (Variation ID: 580766). Variants that disrupt the consensus splice site are a relatively common cause of aberrant splicing (PMID: 17576681, 9536098). Studies have shown that this variant results in skipping of exon 2, but is expected to preserve the integrity of the reading-frame (internal data). In summary, the available evidence is currently insufficient to determine the role of this variant in disease. Therefore, it has been classified as a Variant of Uncertain Significance.

Ambry Genetics
Classification: Uncertain significance for Hereditary cancer-predisposing syndrome. Last evaluated: 2025-06-24. Review status: criteria provided, single submitter. Criteria: Ambry Variant Classification Scheme 2023. Collection method: clinical testing. Allele origin: germline.
Comment: The c.150+5G>T intronic variant results from a G to T substitution 5 nucleotides after coding exon 2 in the SDHA gene. This nucleotide position is highly conserved in available vertebrate species. In silico splice site analysis predicts that this alteration will weaken the native splice donor site. RNA studies have demonstrated that this alteration results in a transcript predicted to lead to a protein with an in-frame deletion of 29 amino acids; however, the exact functional impact of the deleted amino acids is unknown at this time (Ambry internal data). Based on the available evidence, the clinical significance of this variant remains unclear.

Literature cited by the submitters: PubMed 17576681 (cited by Labcorp Genetics (formerly Invitae), Labcorp); PubMed 9536098 (cited by Labcorp Genetics (formerly Invitae), Labcorp).

NM_004168.4(SDHA):c.150+5G>T

Gene: SDHA (succinate dehydrogenase complex flavoprotein subunit A; plus strand). Cytogenetic location: 5p15.33.
Variant type: single nucleotide variant.
Coding change: c.150+5G>T on transcript NM_004168.4 (MANE Select); 5 bases into the intron after coding-DNA position 150, G replaced by T.
Molecular consequence: intron variant.
Genome position (GRCh38, 1-based): chr5:223,573, G>T. VCF-style: chr5-223573-G-T. GRCh37 (hg19) VCF-style: chr5-223688-G-T.
Other names: c.150+5G>T (NM_004168.2, NM_001330758.2, NM_001294332.2).
Identifiers: ClinVar variation 580766 (VCV000580766.11), dbSNP rs770610694, ClinGen allele CA3172725.